The following is an entry in ClinVar:

ClinVar aggregate classification (germline): Uncertain significance. Review status: criteria provided, multiple submitters, no conflicts (2 of 4 stars). 2 submissions from 2 submitters: Uncertain significance (2). Last evaluated 2026-05-29.

Conditions:
ATP8B1-related disorder. Also called: ATP8B1-related disorders; ATP8B1-related condition.

Allele frequency attached by ClinVar (database versions not stated): TOPMed 0.00015; gnomAD 0.00016 and 0.00017; 1000 Genomes Project 0.00020; ESP Exome Variant Server 0.00023; gnomAD exomes 0.00028 and 0.00037; 1000 Genomes Project 30x 0.00031; ExAC 0.00041.
gnomAD v4.1: 558 of 1,612,872 alleles (0.035%); highest among the groups gnomAD compares: Non-Finnish European, 0.04%; no homozygotes.

Submissions (2):

PreventionGenetics, part of Exact Sciences
Classification: Uncertain significance for ATP8B1-related condition. Last evaluated: 2026-05-29. Review status: criteria provided, single submitter. Criteria: ACMG Guidelines, 2015. Collection method: clinical testing. Allele origin: germline.
Comment: The ATP8B1 c.184T>C variant is predicted to result in the amino acid substitution p.Cys62Arg. To our knowledge, this variant has not been reported in the literature. This variant is reported in 0.088% of alleles in individuals of European (Finnish) descent in gnomAD. Although we suspect that this variant may be benign, at this time, the clinical significance of this variant is uncertain due to the absence of conclusive functional and genetic evidence.

Eurofins Ntd Llc (ga)
Classification: Uncertain significance. Last evaluated: 2016-12-28. Review status: criteria provided, single submitter. Criteria: EGL Classification Definitions 2015. Collection method: clinical testing. Allele origin: germline. Observed: 1 variant allele, 1 heterozygote.

NM_001374385.1(ATP8B1):c.184T>C (p.Cys62Arg)

Gene: ATP8B1 (ATPase phospholipid transporting 8B1; minus strand). Cytogenetic location: 18q21.31.
Variant type: single nucleotide variant.
Coding change: c.184T>C on transcript NM_001374385.1 (MANE Select); coding-DNA position 184, T replaced by C.
Protein change: p.Cys62Arg; replaces cysteine 62 with arginine.
Molecular consequence: missense variant. On other transcripts: intron variant (1).
Genome position (GRCh38, 1-based): chr18:57,706,585, A>G on the plus strand (T>C on the coding strand, the complement: ATP8B1 is on the minus strand). VCF-style: chr18-57706585-A-G. GRCh37 (hg19) VCF-style: chr18-55373817-A-G.
Other names: c.184T>C, p.Cys62Arg (NM_005603.6); c.130-1917T>C (NM_001374386.1); c.184T>C (NM_005603.4); short protein forms C62R.
Identifiers: ClinVar variation 499474 (VCV000499474.6), dbSNP rs140577068, ClinGen allele CA8974922.
Genomic context (GRCh38, chr18:57,706,585, plus strand): 5'-TGTTCATAAAGTGAGGTTGTTCGTGGTACTTGCGATCGTTTGCTTTGACTTGCCATGTAC[A>G]TTCTTTAAAAAAAAGGGAGAAAAGTTCGTAAGTAGCAAATTAACATGTTGTTATGAGTTG-3'
Protein context (NP_001361314.1, residues 52-72): EENREPFRKE[Cys62Arg]TWQVKANDRK